The following is an entry in ClinVar:

ClinVar aggregate classification (germline): Likely pathogenic (1 of 4 stars; one submission).

Conditions:
Neuronal ceroid lipofuscinosis 2. Also called: TPP1-Related Neuronal Ceroid-Lipofuscinosis; JANSKY-BIELSCHOWSKY DISEASE NEURONAL CEROID LIPOFUSCINOSIS, LATE INFANTILE. Identifiers: Orphanet 168491, Orphanet 228349, Orphanet 79264, MedGen C1876161, MONDO:0008769, OMIM 204500.

Submission:

Myriad Genetics, Inc.
Classification: Likely pathogenic for Neuronal ceroid lipofuscinosis 2. Last evaluated: 2022-02-19. Review status: criteria provided, single submitter. Criteria: Myriad Women's Health Autosomal Recessive and X-Linked Classification Criteria (2021). Collection method: clinical testing. Allele origin: unknown.
Comment: NM_000391.3(TPP1):c.760C>T(Q254*) is expected to be pathogenic in the context of TPP1-related neuronal ceroid lipofuscinosis. This variant is predicted to lead to an abnormal or absent protein product due to the creation of a premature termination codon in TPP1, a gene where loss-of-function variants are known to be pathogenic. Please note: this variant was assessed in the context of healthy population screening.

NM_000391.4(TPP1):c.760C>T (p.Gln254Ter)

Gene: TPP1 (tripeptidyl peptidase 1; minus strand). Cytogenetic location: 11p15.4.
Variant type: single nucleotide variant.
Coding change: c.760C>T on transcript NM_000391.4 (MANE Select); coding-DNA position 760, C replaced by T.
Protein change: p.Gln254Ter; replaces glutamine 254 with a stop codon.
Molecular consequence: nonsense.
Genome position (GRCh38, 1-based): chr11:6,616,787, G>A on the plus strand (C>T on the coding strand, the complement: TPP1 is on the minus strand). VCF-style: chr11-6616787-G-A. GRCh37 (hg19) VCF-style: chr11-6638018-G-A.
Other names: short protein forms Q254*.
Identifiers: ClinVar variation 1726640 (VCV001726640.2), dbSNP rs2493798943, ClinGen allele CA379475119.